The following is an entry in ClinVar:

NM_012082.4(ZFPM2):c.1786A>G (p.Ser596Gly)

Genes: ZFPM2 (zinc finger protein, FOG family member 2; plus strand), ZFPM2-AS1 (ZFPM2 antisense RNA 1; minus strand). Cytogenetic location: 8q23.1.
Variant type: single nucleotide variant.
Coding change: c.1786A>G on transcript NM_012082.4 (MANE Select); coding-DNA position 1786, A replaced by G.
Protein change: p.Ser596Gly; replaces serine 596 with glycine.
Molecular consequence: missense variant.
Genome position (GRCh38, 1-based): chr8:105,801,868, A>G. VCF-style: chr8-105801868-A-G. GRCh37 (hg19) VCF-style: chr8-106814096-A-G.
Other names: c.1627A>G, p.Ser543Gly (NM_001362836.2); c.1390A>G, p.Ser464Gly (NM_001362837.2); short protein forms S464G, S543G, S596G.
Identifiers: ClinVar variation 2977381 (VCV002977381.3), dbSNP rs549091064, ClinGen allele CA4839807.

ClinVar aggregate classification (germline): Uncertain significance (1 of 4 stars; one submission).

Conditions:
46,XY sex reversal 9 (SRXY9). Also called: 46,XY SEX REVERSAL, ZFPM2-RELATED. Identifiers: Orphanet 251510, MedGen C4015129, MONDO:0014480, OMIM 616067.

Allele frequency attached by ClinVar (database versions not stated): ExAC 0.00001; gnomAD exomes 0.00001; gnomAD 0.00002; TOPMed 0.00005; 1000 Genomes Project 30x 0.00016; 1000 Genomes Project 0.00020.
gnomAD v4.1: 7 of 1,613,934 alleles (0.00043%); highest among the groups gnomAD compares: Admixed American, 0.01%; no homozygotes.

Submission:

Labcorp Genetics (formerly Invitae), Labcorp
Classification: Uncertain significance for 46,XY sex reversal 9. Last evaluated: 2023-01-30. Review status: criteria provided, single submitter. Criteria: Invitae Variant Classification Sherloc (09022015). Collection method: clinical testing. Allele origin: germline.
Comment: In summary, the available evidence is currently insufficient to determine the role of this variant in disease. Therefore, it has been classified as a Variant of Uncertain Significance. Algorithms developed to predict the effect of missense changes on protein structure and function are either unavailable or do not agree on the potential impact of this missense change (SIFT: "Deleterious"; PolyPhen-2: "Probably Damaging"; Align-GVGD: "Class C0"). This variant has not been reported in the literature in individuals affected with ZFPM2-related conditions. This variant is present in population databases (rs549091064, gnomAD 0.009%). This sequence change replaces serine, which is neutral and polar, with glycine, which is neutral and non-polar, at codon 596 of the ZFPM2 protein (p.Ser596Gly).